The following is an entry in ClinVar:

NM_006662.3(SRCAP):c.5633dup (p.Pro1879fs)

Gene: SRCAP (Snf2 related CREBBP activator protein; plus strand). Cytogenetic location: 16p11.2.
Variant type: Duplication.
Coding change: c.5633dup on transcript NM_006662.3 (MANE Select); coding-DNA position 5633, one base duplicated (C; older notation c.5633dupC).
Protein change: p.Pro1879fs; shifts the reading frame from proline 1879.
Molecular consequence: frameshift variant.
Genome position (GRCh38, 1-based): chr16:30,725,057, C duplicated; the last of 8 consecutive C bases (chr16:30,725,050-30,725,057); duplicating any one gives the same sequence. VCF-style (leftmost placement, unchanged base first): chr16-30725049-G-GC. GRCh37 (hg19) VCF-style: chr16-30736370-G-GC.
Other names: c.5633dupC (NM_006662.2, NM_006662.3); short protein forms P1879fs.
Identifiers: ClinVar variation 995431 (VCV000995431.19), dbSNP rs748467821, ClinGen allele CA8012027.

ClinVar aggregate classification (germline): Pathogenic/Likely pathogenic. Review status: criteria provided, multiple submitters, no conflicts (2 of 4 stars). 10 submissions from 10 submitters: Pathogenic (7); Likely pathogenic (1). 2 of the submissions do not count toward it. Last evaluated 2026-05-08.

Conditions:
Developmental delay, hypotonia, musculoskeletal defects, and behavioral abnormalities. Identifiers: MedGen C5562012, MONDO:0859202, OMIM 619595.
Floating-Harbor syndrome (FLHS). Also called: Short stature with delayed bone age, expressive language delay, a triangular face with a prominent nose and deep-set eyes; Pelletier-Leisti syndrome; SRCAP-Related Floating-Harbor Syndrome. Identifiers: Orphanet 2044, MedGen C0729582, MONDO:0007621, OMIM 136140.
SRCAP-related disorder. Also called: SRCAP-related condition.
Neurodevelopmental disorder. Identifiers: MedGen C1535926, MeSH D065886, MONDO:0700092.

Submissions (10):

Institute of Human Genetics, University of Leipzig Medical Center
Classification: Pathogenic for Developmental delay, hypotonia, musculoskeletal defects, and behavioral abnormalities. Last evaluated: 2026-05-08. Review status: criteria provided, single submitter. Criteria: ACMG Guidelines, 2015. Collection method: clinical testing. Allele origin: unknown. Inheritance: Autosomal dominant inheritance. Affected: yes.
Comment: Criteria applied: PVS1,PS2_VSTR,PS4_MOD

Greenwood Genetic Center Diagnostic Laboratories, Greenwood Genetic Center
Classification: Pathogenic for SRCAP-related disorder. Last evaluated: 2026-04-23. Review status: criteria provided, single submitter. Criteria: ACMG Guidelines, 2015. Collection method: clinical testing. Allele origin: germline. Affected: yes.
Comment: PVS1, PS2, PM6_Strong

Women's Health and Genetics/Laboratory Corporation of America, LabCorp
Classification: Pathogenic for Developmental delay, hypotonia, musculoskeletal defects, and behavioral abnormalities. Last evaluated: 2025-12-09. Review status: criteria provided, single submitter. Criteria: LabCorp Variant Classification Summary - May 2015. Collection method: clinical testing. Allele origin: germline.
Comment: Variant summary: SRCAP c.5633dupC (p.Pro1879ThrfsX21) results in a premature termination codon, predicted to cause a truncation of the encoded protein or absence of the protein due to nonsense mediated decay, which are commonly known mechanisms for disease. The frequency data for this variant in gnomAD is considered unreliable, as metrics indicate poor data quality at this position. c.5633dupC has been observed in individuals affected with clinical features of neurodevelopmental disorder, non-FLHS (Rots_2021), including de novo occurrences. These data indicate that the variant may be associated with disease. To our knowledge, no experimental evidence demonstrating an impact on protein function has been reported. The following publication has been ascertained in the context of this evaluation (PMID: 33909990). ClinVar contains an entry for this variant (Variation ID: 995431). Based on the evidence outlined above, the variant was classified as pathogenic.

Genomic Medicine Center of Excellence, King Faisal Specialist Hospital and Research Centre
Classification: Pathogenic for Floating-Harbor syndrome. Last evaluated: 2025-09-10. Review status: criteria provided, single submitter. Criteria: ACMG Guidelines, 2015. Collection method: clinical testing. Allele origin: germline.

GeneDx
Classification: Pathogenic. Last evaluated: 2025-09-04. Review status: criteria provided, single submitter. Criteria: GeneDx Variant Classification Process June 2021. Collection method: clinical testing. Allele origin: germline. Affected: yes.
Comment: Frameshift variant predicted to result in protein truncation or nonsense mediated decay in a gene for which loss of function is a known mechanism of disease; This variant is associated with the following publications: (PMID: 33909990)

Labcorp Genetics (formerly Invitae), Labcorp
Classification: Pathogenic. Last evaluated: 2025-04-30. Review status: criteria provided, single submitter. Criteria: Invitae Variant Classification Sherloc (09022015). Collection method: clinical testing. Allele origin: germline.
Comment: This sequence change creates a premature translational stop signal (p.Pro1879Thrfs*21) in the SRCAP gene. It is expected to result in an absent or disrupted protein product. Loss-of-function variants in SRCAP are known to be pathogenic (PMID: 33909990). The frequency data for this variant in the population databases is considered unreliable, as metrics indicate poor data quality at this position in the gnomAD database. This premature translational stop signal has been observed in individual(s) with SRCAP-related conditions (PMID: 33909990). ClinVar contains an entry for this variant (Variation ID: 995431). For these reasons, this variant has been classified as Pathogenic.

Fulgent Genetics
Classification: Likely pathogenic for Floating-Harbor syndrome; Developmental delay, hypotonia, musculoskeletal defects, and behavioral abnormalities. Last evaluated: 2024-04-30. Review status: criteria provided, single submitter. Criteria: ACMG Guidelines, 2015. Collection method: clinical testing. Allele origin: germline.

Juno Genomics, Hangzhou Juno Genomics, Inc
Classification: Pathogenic for Developmental delay, hypotonia, musculoskeletal defects, and behavioral abnormalities. Review status: criteria provided, single submitter. Criteria: ACMG Guidelines, 2015. Collection method: clinical testing. Allele origin: germline. Affected: yes.
Comment: Absent from controls (or at extremely low frequency if recessive) in Genome Aggregation Database, Exome Sequencing Project, 1000 Genomes Project, or Exome Aggregation Consortium.;Null variant in a gene where loss of function (LOF) is a known mechanism of disease.;The prevalence of the variant in affected individuals is significantly increased compared to the prevalence in controls.;De novo (both maternity and paternity confirmed) in a patient with the disease and no family history.

PreventionGenetics, part of Exact Sciences
Classification: Likely pathogenic for SRCAP-related condition. Last evaluated: 2024-05-09. Review status: no assertion criteria provided. Collection method: clinical testing. Allele origin: germline. Not counted in ClinVar's aggregate classification.
Comment: The SRCAP c.5633dupC variant is predicted to result in a frameshift and premature protein termination (p.Pro1879Thrfs*21). This variant has been reported as a recurrent de novo finding in individuals with autosomal dominant SRCAP-related developmental delay, hypotonia, musculoskeletal defects, and behavioral abnormalities (Rots et al. 2021. PubMed ID: 33909990). This variant is reported in 0.16% of alleles in individuals of Ashkenazi Jewish descent in gnomAD; however, the data quality of all heterozygous alleles in gnomAD is poor, reflecting a region that is difficult to sequence and prone to artifacts. Frameshift variants in SRCAP are expected to be pathogenic. This variant is interpreted as likely pathogenic.

Joint Genome Diagnostic Labs from Nijmegen and Maastricht, Radboudumc and MUMC+
Classification: Likely pathogenic for Neurodevelopmental disorder. Last evaluated: 2021-01-10. Review status: no assertion criteria provided. Collection method: research. Allele origin: de novo. Affected: yes. Not counted in ClinVar's aggregate classification.

Literature cited by the submitters: PubMed 33909990 (cited by 3 submitters).